The following is an entry in ClinVar:

ClinVar aggregate classification (germline): Uncertain significance. Review status: criteria provided, multiple submitters, no conflicts (2 of 4 stars). 3 submissions from 3 submitters: Uncertain significance (3). Last evaluated 2025-06-12.

Conditions:
Inborn genetic diseases. Identifiers: MedGen C0950123, MeSH D030342.
Duane retraction syndrome 3 with or without deafness (DURS3). Also called: Duane syndrome type 3; DUANE RETRACTION SYNDROME 3. Identifiers: Orphanet 233, MedGen C4310752, MONDO:0014880, OMIM 617041.
Multicentric carpo-tarsal osteolysis with or without nephropathy. Also called: Multicentric Carpotarsal Osteolysis with or without Nephropathy; OSTEOLYSIS, HEREDITARY, OF CARPAL BONES WITH OR WITHOUT NEPHROPATHY; Multicentric Osteolysis of Carpal Bones and Nephropathy; Carnevale Canun Mendoza syndrome; MULTICENTRIC CARPOTARSAL OSTEOLYSIS SYNDROME; MULTICENTRIC OSTEOLYSIS, AUTOSOMAL DOMINANT. Identifiers: Orphanet 2774, MedGen C2674705, MONDO:0008152, OMIM 166300.

Allele frequency attached by ClinVar (database versions not stated): ExAC 0.00005; gnomAD exomes 0.00005; TOPMed 0.00011; gnomAD 0.00015.

Submissions (3):

Labcorp Genetics (formerly Invitae), Labcorp
Classification: Uncertain significance. Last evaluated: 2025-06-12. Review status: criteria provided, single submitter. Criteria: Invitae Variant Classification Sherloc (09022015). Collection method: clinical testing. Allele origin: germline.
Comment: This sequence change replaces histidine, which is basic and polar, with tyrosine, which is neutral and polar, at codon 193 of the MAFB protein (p.His193Tyr). This variant is present in population databases (rs771536349, gnomAD 0.01%). This variant has not been reported in the literature in individuals affected with MAFB-related conditions. ClinVar contains an entry for this variant (Variation ID: 1512800). Invitae Evidence Modeling of protein sequence and biophysical properties (such as structural, functional, and spatial information, amino acid conservation, physicochemical variation, residue mobility, and thermodynamic stability) indicates that this missense variant is not expected to disrupt MAFB protein function with a negative predictive value of 95%. In summary, the available evidence is currently insufficient to determine the role of this variant in disease. Therefore, it has been classified as a Variant of Uncertain Significance.

Ambry Genetics
Classification: Uncertain significance for Inborn genetic diseases. Last evaluated: 2023-10-02. Review status: criteria provided, single submitter. Criteria: Ambry Variant Classification Scheme 2023. Collection method: clinical testing. Allele origin: germline.

Fulgent Genetics
Classification: Uncertain significance for Multicentric carpo-tarsal osteolysis with or without nephropathy; Duane retraction syndrome 3 with or without deafness. Last evaluated: 2022-04-14. Review status: criteria provided, single submitter. Criteria: ACMG Guidelines, 2015. Collection method: clinical testing. Allele origin: unknown.

NM_005461.5(MAFB):c.577C>T (p.His193Tyr)

Gene: MAFB (MAF bZIP transcription factor B; minus strand). Cytogenetic location: 20q12.
Variant type: single nucleotide variant.
Coding change: c.577C>T on transcript NM_005461.5 (MANE Select); coding-DNA position 577, C replaced by T.
Protein change: p.His193Tyr; replaces histidine 193 with tyrosine.
Molecular consequence: missense variant.
Genome position (GRCh38, 1-based): chr20:40,688,274, G>A on the plus strand (C>T on the coding strand, the complement: MAFB is on the minus strand). VCF-style: chr20-40688274-G-A. GRCh37 (hg19) VCF-style: chr20-39316914-G-A.
Other names: c.577C>T (NM_005461.3); short protein forms H193Y.
Identifiers: ClinVar variation 1512800 (VCV001512800.10), dbSNP rs771536349, ClinGen allele CA9857771.